The following is an entry in ClinVar:

NM_002875.5(RAD51):c.981C>G (p.Phe327Leu)

Gene: RAD51 (RAD51 recombinase; plus strand). Cytogenetic location: 15q15.1.
Variant type: single nucleotide variant.
Coding change: c.981C>G on transcript NM_002875.5 (MANE Select); coding-DNA position 981, C replaced by G.
Protein change: p.Phe327Leu; replaces phenylalanine 327 with leucine.
Molecular consequence: missense variant. On other transcripts: 3 prime UTR variant (1).
Genome position (GRCh38, 1-based): chr15:40,731,139, C>G. VCF-style: chr15-40731139-C-G. GRCh37 (hg19) VCF-style: chr15-41023337-C-G.
Other names: c.984C>G, p.Phe328Leu (NM_001164269.2, NM_133487.4); c.*16C>G (NM_001164270.2); short protein forms F327L, F328L.
Identifiers: ClinVar variation 3222878 (VCV003222878.1), dbSNP rs773392887, ClinGen allele CA391761130.
Genomic context (GRCh38, chr15:40,731,139, plus strand): 5'-GGAAACCAGAATCTGCAAAATCTACGACTCTCCCTGTCTTCCTGAAGCTGAAGCTATGTT[C>G]GCCATTAATGCAGATGGAGTGGGAGATGCCAAAGACTGAATCATTGGGTTTTTCCTCTGT-3'
Protein context (NP_002866.2, residues 317-337): SPCLPEAEAM[Phe327Leu]AINADGVGDA

ClinVar aggregate classification (germline): Uncertain significance (1 of 4 stars; one submission).

Conditions:
Inborn genetic diseases. Identifiers: MedGen C0950123, MeSH D030342.

Submission:

Ambry Genetics
Classification: Uncertain significance for Inborn genetic diseases. Last evaluated: 2023-12-01. Review status: criteria provided, single submitter. Criteria: Ambry Variant Classification Scheme 2023. Collection method: clinical testing. Allele origin: germline.
Comment: The p.F327L variant (also known as c.981C>G), located in coding exon 9 of the RAD51 gene, results from a C to G substitution at nucleotide position 981. The phenylalanine at codon 327 is replaced by leucine, an amino acid with highly similar properties. This amino acid position is conserved. In addition, this alteration is predicted to be deleterious by in silico analysis. Since supporting evidence is limited at this time, the clinical significance of this alteration remains unclear.